The following is an entry in ClinVar:

ClinVar aggregate classification (germline): Benign. Review status: criteria provided, multiple submitters, no conflicts (2 of 4 stars). 2 submissions from 2 submitters: Benign (2). Last evaluated 2018-01-12.

Conditions:
Danon disease. Also called: ANTOPOL DISEASE; PSEUDOGLYCOGENOSIS II; GSD IIb; LYSOSOMAL GLYCOGEN STORAGE DISEASE WITHOUT ACID MALTASE DEFICIENCY; Glycogen Storage Disease Type IIb. Identifiers: Orphanet 34587, MedGen C0878677, MONDO:0010281, OMIM 300257.

Allele frequency attached by ClinVar (database versions not stated): gnomAD 0.08629; TOPMed 0.10030; 1000 Genomes Project 0.10040; 1000 Genomes Project 30x 0.10323.
gnomAD v4.1: 15,007 of 749,190 alleles (2%); highest among the groups gnomAD compares: African/African-American, 31%; 1,612 homozygotes.

Submissions (2):

Illumina Laboratory Services, Illumina
Classification: Benign for Danon disease. Last evaluated: 2018-01-12. Review status: criteria provided, single submitter. Criteria: ICSL Variant Classification Criteria 13 December 2019. Collection method: clinical testing. Allele origin: germline.
Comment: This variant was observed in the ICSL laboratory as part of a predisposition screen in an ostensibly healthy population. It had not been previously curated by ICSL or reported in the Human Gene Mutation Database (HGMD: prior to June 1st, 2018), and was therefore a candidate for classification through an automated scoring system. Utilizing variant allele frequency, disease prevalence and penetrance estimates, and inheritance mode, an automated score was calculated to assess if this variant is too frequent to cause the disease. Based on the score and internal cut-off values, a variant classified as benign is not then subjected to further curation. The score for this variant resulted in a classification of benign for this disease.

GeneDx
Classification: Benign. Last evaluated: 2015-03-03. Review status: criteria provided, single submitter. Criteria: GeneDx Variant Classification Process June 2021. Collection method: clinical testing. Allele origin: germline. Affected: yes.

NM_002294.3(LAMP2):c.*2460A>G

Gene: LAMP2 (lysosome associated membrane protein 2; minus strand). Cytogenetic location: Xq24.
Variant type: single nucleotide variant.
Coding change: c.*2460A>G on transcript NM_002294.3 (MANE Select); 2460 bases downstream of the stop codon, A replaced by G.
Molecular consequence: 3 prime UTR variant. On other transcripts: intron variant (1).
Genome position (GRCh38, 1-based): chrX:120,428,863, T>C on the plus strand (A>G on the coding strand, the complement: LAMP2 is on the minus strand). VCF-style: chrX-120428863-T-C. GRCh37 (hg19) VCF-style: chrX-119562718-T-C.
Other names: c.1094-237A>G (NM_001122606.1).
Identifiers: ClinVar variation 367756 (VCV000367756.8), dbSNP rs10127182, ClinGen allele CA10645846.